The following is an entry in ClinVar:

NM_001267550.2(TTN):c.23772A>T (p.Lys7924Asn)

Gene: TTN (titin; minus strand). Cytogenetic location: 2q31.2.
Variant type: single nucleotide variant.
Coding change: c.23772A>T on transcript NM_001267550.2 (MANE Select); coding-DNA position 23772, A replaced by T.
Protein change: p.Lys7924Asn; replaces lysine 7924 with asparagine.
Molecular consequence: missense variant. On other transcripts: intron variant (3).
Genome position (GRCh38, 1-based): chr2:178,719,720, T>A on the plus strand (A>T on the coding strand, the complement: TTN is on the minus strand). VCF-style: chr2-178719720-T-A. GRCh37 (hg19) VCF-style: chr2-179584447-T-A.
Other names: c.22821A>T, p.Lys7607Asn (NM_001256850.1); c.20040A>T, p.Lys6680Asn (NM_133378.4); c.13282+18362A>T (NM_003319.4); c.13858+18362A>T (NM_133437.4); c.13657+18362A>T (NM_133432.3); short protein forms K6680N, K7607N, K7924N.
Identifiers: ClinVar variation 3068808 (VCV003068808.3), dbSNP rs373894127, ClinGen allele CA2000567.

ClinVar aggregate classification (germline): Conflicting classifications of pathogenicity. Review status: criteria provided, conflicting classifications (1 of 4 stars). 2 submissions from 2 submitters: Uncertain significance (1); Likely benign (1). Last evaluated 2025-04-09.

Allele frequency attached by ClinVar (database versions not stated): gnomAD exomes 0.00001; TOPMed 0.00001; ExAC 0.00002; gnomAD 0.00002; ESP Exome Variant Server 0.00008.
gnomAD v4.1: 23 of 1,613,620 alleles (0.0014%); highest among the groups gnomAD compares: Non-Finnish European, 0.0019%; no homozygotes.

Submissions (2):

Molecular Diagnostic Laboratory for Inherited Cardiovascular Disease, Montreal Heart Institute
Classification: Likely benign. Last evaluated: 2025-04-09. Review status: criteria provided, single submitter. Criteria: ACMG Guidelines, 2015. Collection method: clinical testing. Allele origin: germline. Affected: no.
Comment: BP1

Women's Health and Genetics/Laboratory Corporation of America, LabCorp
Classification: Uncertain significance. Last evaluated: 2024-02-28. Review status: criteria provided, single submitter. Criteria: LabCorp Variant Classification Summary - May 2015. Collection method: clinical testing. Allele origin: germline.
Comment: Variant summary: TTN c.20040A>T (p.Lys6680Asn) results in a non-conservative amino acid change located in the I-band region of the encoded protein sequence. Three of three in-silico tools predict a damaging effect of the variant on protein function. The variant allele was found at a frequency of 2.4e-05 in 248644 control chromosomes. The available data on variant occurrences in the general population are insufficient to allow any conclusion about variant significance. To our knowledge, no occurrence of c.20040A>T in individuals affected with Limb-Girdle Muscular Dystrophy, Type 2J and no experimental evidence demonstrating its impact on protein function have been reported. No submitters have cited clinical-significance assessments for this variant to ClinVar. Based on the evidence outlined above, the variant was classified as uncertain significance.